The following is an entry in ClinVar:

ClinVar aggregate classification (germline): Uncertain significance (1 of 4 stars; one submission).

Submission:

Women's Health and Genetics/Laboratory Corporation of America, LabCorp
Classification: Uncertain significance. Last evaluated: 2025-02-19. Review status: criteria provided, single submitter. Criteria: LabCorp Variant Classification Summary - May 2015. Collection method: clinical testing. Allele origin: germline.
Comment: Variant summary: ASAH1 c.340G>A (p.Glu114Lys) results in a conservative amino acid change in the encoded protein sequence. Four of five in-silico tools predict a benign effect of the variant on protein function. The variant was absent in 250154 control chromosomes. The available data on variant occurrences in the general population are insufficient to allow any conclusion about variant significance. To our knowledge, no occurrence of c.340G>A in individuals affected with Farber lipogranulomatosis and no experimental evidence demonstrating its impact on protein function have been reported. No submitters have cited clinical-significance assessments for this variant to ClinVar. Based on the evidence outlined above, the variant was classified as uncertain significance.

NM_177924.5(ASAH1):c.340G>A (p.Glu114Lys)

Gene: ASAH1 (N-acylsphingosine amidohydrolase 1; minus strand). Cytogenetic location: 8p22.
Variant type: single nucleotide variant.
Coding change: c.340G>A on transcript NM_177924.5 (MANE Select); coding-DNA position 340, G replaced by A.
Protein change: p.Glu114Lys; replaces glutamic acid 114 with lysine.
Molecular consequence: missense variant.
Genome position (GRCh38, 1-based): chr8:18,067,262, C>T on the plus strand (G>A on the coding strand, the complement: ASAH1 is on the minus strand). VCF-style: chr8-18067262-C-T. GRCh37 (hg19) VCF-style: chr8-17924771-C-T.
Other names: c.322G>A, p.Glu108Lys (NM_001127505.3); c.145G>A, p.Glu49Lys (NM_001363743.2); c.388G>A, p.Glu130Lys (NM_004315.6); short protein forms E108K, E114K, E130K, E49K.
Identifiers: ClinVar variation 3768973 (VCV003768973.1).